The following is an entry in ClinVar:

NM_001034853.2(RPGR):c.2612_2614del (p.Gly871del)

Gene: RPGR (retinitis pigmentosa GTPase regulator; minus strand). Cytogenetic location: Xp11.4.
Variant type: Deletion.
Coding change: c.2612_2614del on transcript NM_001034853.2 (MANE Select); coding-DNA positions 2612 to 2614, 3 bases deleted (GGG; older notation c.2612_2614delGGG).
Protein change: p.Gly871del; deletes glycine 871.
Molecular consequence: inframe deletion. On other transcripts: intron variant (8).
Genome position (GRCh38, 1-based): chrX:38,286,385-38,286,387, CCC deleted on the plus strand (GGG on the coding strand, the reverse complement: RPGR is on the minus strand); deleting any 3 consecutive bases within chrX:38,286,385-38,286,388 gives the same sequence; the c. name uses the placement nearest the transcript's 3' end. VCF-style (leftmost placement, unchanged base first): chrX-38286384-TCCC-T. GRCh37 (hg19) VCF-style: chrX-38145637-TCCC-T.
Other names: c.1569+4572_1569+4574del (NM_001367249.1, NM_001367250.1); c.1902+707_1902+709del (NM_001367245.1); c.1386+4572_1386+4574del (NM_001367251.1); c.1719+707_1719+709del (NM_001367246.1); c.1572+4572_1572+4574del (NM_001367247.1); c.1905+707_1905+709del (NM_000328.3); c.1602+4572_1602+4574del (NM_001367248.1); short protein forms G871del.
Identifiers: ClinVar variation 4983207 (VCV004983207.1).

ClinVar aggregate classification (germline): Likely benign (1 of 4 stars; one submission).

Conditions:
RPGR-related disorder. Also called: RPGR-related condition.

Submission:

PreventionGenetics, part of Exact Sciences
Classification: Likely benign for RPGR-related condition. Last evaluated: 2025-09-23. Review status: criteria provided, single submitter. Criteria: ACMG Guidelines, 2015. Collection method: clinical testing. Allele origin: germline.
Comment: This variant is classified as likely benign based on ACMG/AMP sequence variant interpretation guidelines (Richards et al. 2015 PMID: 25741868, with internal and published modifications).